The following is an entry in ClinVar:

NM_006393.3(NEBL):c.903C>T (p.Gly301=)

Gene: NEBL (nebulette; minus strand). Cytogenetic location: 10p12.31.
Variant type: single nucleotide variant.
Coding change: c.903C>T on transcript NM_006393.3 (MANE Select); coding-DNA position 903, C replaced by T.
Protein change: p.Gly301=; no amino-acid change (glycine 301 retained).
Molecular consequence: synonymous variant. On other transcripts: intron variant (9).
Genome position (GRCh38, 1-based): chr10:20,858,240, G>A on the plus strand (C>T on the coding strand, the complement: NEBL is on the minus strand). VCF-style: chr10-20858240-G-A. GRCh37 (hg19) VCF-style: chr10-21147169-G-A.
Other names: c.250-45300C>T (NM_001377326.1, NM_001377327.1, NM_001377328.1); c.358-45300C>T (NM_213569.2, NM_001173484.2, NM_001377322.1); c.301-45300C>T (NM_001377324.1); c.292-45300C>T (NM_001377325.1); c.310-45300C>T (NM_001377323.1).
Identifiers: ClinVar variation 968133 (VCV000968133.12), dbSNP rs200799762, ClinGen allele CA5433068.

ClinVar aggregate classification (germline): Conflicting classifications of pathogenicity. Review status: criteria provided, conflicting classifications (1 of 4 stars). 2 submissions from 2 submitters: Uncertain significance (1); Likely benign (1). Last evaluated 2026-06-17.

Conditions:
Primary dilated cardiomyopathy (DCM). Also called: Dilated Cardiomyopathy. Identifiers: Orphanet 217604, MedGen C0007193, MeSH D002311, MONDO:0005021, HP:0001644. Inheritance: Various modes of inheritance.

Allele frequency attached by ClinVar (database versions not stated): gnomAD 0.00004; gnomAD exomes 0.00004; ExAC 0.00005; TOPMed 0.00006.
gnomAD v4.1: 56 of 1,596,048 alleles (0.0035%); highest among the groups gnomAD compares: African/African-American, 0.0067%; no homozygotes.

Submissions (2):

Women's Health and Genetics/Laboratory Corporation of America, LabCorp
Classification: Likely benign. Last evaluated: 2026-06-17. Review status: criteria provided, single submitter. Criteria: LabCorp Variant Classification Summary - May 2015. Collection method: clinical testing. Allele origin: germline.
Comment: Variant summary: NEBL c.903C>T (p.Gly301Gly) alters a nucleotide located close to a canonical splice site and therefore could affect mRNA splicing, leading to a significantly altered protein sequence. Consensus agreement among computation tools predict no significant impact on normal splicing. However, these predictions have yet to be confirmed by functional studies. The variant allele was found at a frequency of 4.4e-05 in 251044 control chromosomes. The observed variant frequency exceeds the estimated maximal expected allele frequency for disease-causing variants in NEBL. To our knowledge, no occurrence of c.903C>T in individuals affected with NEBL-related conditions and no experimental evidence demonstrating its impact on protein function have been reported. ClinVar contains an entry for this variant (Variation ID: 968133). Based on the evidence outlined above, the variant was classified as likely benign.

Labcorp Genetics (formerly Invitae), Labcorp
Classification: Uncertain significance for Primary dilated cardiomyopathy. Last evaluated: 2026-01-26. Review status: criteria provided, single submitter. Criteria: Invitae Variant Classification Sherloc (09022015). Collection method: clinical testing. Allele origin: germline.
Comment: This sequence change affects codon 301 of the NEBL mRNA. It is a 'silent' change, meaning that it does not change the encoded amino acid sequence of the NEBL protein. It affects a nucleotide within the consensus splice site. This variant is present in population databases (rs200799762, gnomAD 0.006%). This variant has not been reported in the literature in individuals affected with NEBL-related conditions. ClinVar contains an entry for this variant (Variation ID: 968133). Algorithms developed to predict the effect of sequence changes on RNA splicing suggest that this variant is not likely to affect RNA splicing. In summary, the available evidence is currently insufficient to determine the role of this variant in disease. Therefore, it has been classified as a Variant of Uncertain Significance.